The following is an entry in ClinVar:

NM_001042492.3(NF1):c.586+2T>C

Gene: NF1 (neurofibromin 1; plus strand). Cytogenetic location: 17q11.2.
Variant type: single nucleotide variant.
Coding change: c.586+2T>C on transcript NM_001042492.3 (MANE Select); the canonical splice donor site of the intron after coding-DNA position 586, T replaced by C.
Molecular consequence: splice donor variant.
Genome position (GRCh38, 1-based): chr17:31,169,999, T>C. VCF-style: chr17-31169999-T-C. GRCh37 (hg19) VCF-style: chr17-29497017-T-C.
Other names: c.586+2T>C (NM_000267.4, NM_001128147.3).
Identifiers: ClinVar variation 431565 (VCV000431565.6), dbSNP rs1135402791, ClinGen allele CA398985553.

ClinVar aggregate classification (germline): Pathogenic. Review status: criteria provided, single submitter (1 of 4 stars). 2 submissions from 2 submitters: Pathogenic (1). 1 of the submissions does not count toward it. Last evaluated 2024-10-24.

Conditions:
Neurofibromatosis, type 1 (NF1). Also called: Neurofibromatosis, type I; NEUROFIBROMATOSIS, TYPE I, SOMATIC; Peripheral type neurofibromatosis; VON RECKLINGHAUSEN DISEASE. Identifiers: Orphanet 636, MedGen C0027831, MONDO:0018975, OMIM 162200. Disease mechanism: loss of function.

Submissions (2):

Labcorp Genetics (formerly Invitae), Labcorp
Classification: Pathogenic for Neurofibromatosis, type 1. Last evaluated: 2024-10-24. Review status: criteria provided, single submitter. Criteria: Invitae Variant Classification Sherloc (09022015). Collection method: clinical testing. Allele origin: germline.
Comment: This sequence change affects a donor splice site in intron 5 of the NF1 gene. RNA analysis indicates that disruption of this splice site induces altered splicing and may result in an absent or altered protein product. This variant is not present in population databases (gnomAD no frequency). Disruption of this splice site has been observed in individual(s) with neurofibromatosis type 1 (PMID: 31766501). ClinVar contains an entry for this variant (Variation ID: 431565). Studies have shown that disruption of this splice site results in skipping of exon 5, and produces a non-functional protein and/or introduces a premature termination codon (internal data). For these reasons, this variant has been classified as Pathogenic.

Medical Genetics, University of Parma
Classification: Likely pathogenic for Neurofibromatosis type 1. Last evaluated: 2017-02-02. Review status: no assertion criteria provided. Collection method: clinical testing. Allele origin: germline. Affected: yes. Not counted in ClinVar's aggregate classification.

Literature cited by the submitters: PubMed 31766501 (cited by Labcorp Genetics (formerly Invitae), Labcorp).